The following is an entry in ClinVar:

ClinVar aggregate classification (germline): Conflicting classifications of pathogenicity. Review status: criteria provided, conflicting classifications (1 of 4 stars). 6 submissions from 6 submitters: Uncertain significance (1); Benign (1); Likely benign (3). 1 of the submissions does not count toward it. Last evaluated 2025-10-01.

Conditions:
CACNA1A-related disorder. Also called: CACNA1A-related condition.
Developmental and epileptic encephalopathy, 42 (DEE42A). Also called: DEVELOPMENTAL AND EPILEPTIC ENCEPHALOPATHY 42A; EPILEPTIC ENCEPHALOPATHY, EARLY INFANTILE, 42A; Epileptic encephalopathy, early infantile, 42. Identifiers: MedGen C4310716, MONDO:0014917, OMIM 617106.
Episodic ataxia type 2 (EA2). Also called: ATAXIA, EPISODIC, WITH NYSTAGMUS; ATAXIA, FAMILIAL PAROXYSMAL; CEREBELLAR ATAXIA, PAROXYSMAL, ACETAZOLAMIDE-RESPONSIVE; CEREBELLOPATHY, HEREDITARY PAROXYSMAL; ACETAZOLAMIDE-RESPONSIVE HEREDITARY PAROXYSMAL CEREBELLAR ATAXIA; EPISODIC ATAXIA, NYSTAGMUS-ASSOCIATED. Identifiers: Orphanet 97, MedGen C1720416, MONDO:0007163, OMIM 108500.
Inborn genetic diseases. Identifiers: MedGen C0950123, MeSH D030342.

Submissions (6):

CeGaT Center for Human Genetics Tuebingen
Classification: Likely benign. Last evaluated: 2025-10-01. Review status: criteria provided, single submitter. Criteria: CeGaT Center For Human Genetics Tuebingen Variant Classification Criteria Version 2. Collection method: clinical testing. Allele origin: germline. Affected: yes. Observed: 2 variant alleles.
Comment: CACNA1A: BP3

Blueprint Genetics
Classification: Likely benign. Last evaluated: 2024-11-13. Review status: criteria provided, single submitter. Criteria: ACMG Guidelines, 2015. Collection method: clinical testing. Allele origin: germline.

Ambry Genetics
Classification: Likely benign for Inborn genetic diseases. Last evaluated: 2023-02-21. Review status: criteria provided, single submitter. Criteria: Ambry Variant Classification Scheme 2023. Collection method: clinical testing. Allele origin: germline.

GeneDx
Classification: Benign. Last evaluated: 2020-05-04. Review status: criteria provided, single submitter. Criteria: GeneDx Variant Classification Process June 2021. Collection method: clinical testing. Allele origin: germline. Affected: yes.
Comment: In silico analysis, which includes protein predictors and evolutionary conservation, supports a deleterious effect; In-frame deletion in a repetitive region with no known function; Has not been previously published as pathogenic or benign to our knowledge

Labcorp Genetics (formerly Invitae), Labcorp
Classification: Uncertain significance for Developmental and epileptic encephalopathy, 42; Episodic ataxia type 2. Last evaluated: 2017-09-01. Review status: criteria provided, single submitter. Criteria: Invitae Variant Classification Sherloc (09022015). Collection method: clinical testing. Allele origin: germline.
Comment: This variant, c.6653_6661delACCACCATC, results in the deletion of 3 amino acid(s) of the CACNA1A protein (p.His2218_His2220del), but otherwise preserves the integrity of the reading frame. In summary, the available evidence is currently insufficient to determine the role of this variant in disease. Therefore, it has been classified as a Variant of Uncertain Significance. Experimental studies and prediction algorithms are not available for this variant, and the functional significance of the deleted amino acids is currently unknown. This variant has not been reported in the literature in individuals with CACNA1A-related disease. ClinVar contains an entry for this variant (Variation ID: 422029). While this variant is present in population databases (rs776181081), the frequency information is unreliable, as metrics indicate poor data quality at this position in the ExAC database.

PreventionGenetics, part of Exact Sciences
Classification: Likely benign for CACNA1A-related condition. Last evaluated: 2019-11-04. Review status: no assertion criteria provided. Collection method: clinical testing. Allele origin: germline. Not counted in ClinVar's aggregate classification.
Comment: This variant is classified as likely benign based on ACMG/AMP sequence variant interpretation guidelines (Richards et al. 2015 PMID: 25741868, with internal and published modifications).

NM_001127222.2(CACNA1A):c.6650_6658del (p.His2217_His2219del)

Gene: CACNA1A (calcium voltage-gated channel subunit alpha1 A; minus strand). Cytogenetic location: 19p13.13.
Variant type: Deletion.
Coding change: c.6650_6658del on transcript NM_001127222.2 (MANE Select); coding-DNA positions 6650 to 6658, 9 bases deleted (ACCACCATC; older notation c.6650_6658delACCACCATC).
Protein change: p.His2217_His2219del.
Molecular consequence: inframe deletion.
Genome position (GRCh38, 1-based): chr19:13,208,878-13,208,886, GATGGTGGT deleted on the plus strand (ACCACCATC on the coding strand, the reverse complement: CACNA1A is on the minus strand); deleting any 9 consecutive bases within chr19:13,208,878-13,208,887 gives the same sequence; the c. name uses the placement nearest the transcript's 3' end. VCF-style (leftmost placement, unchanged base first): chr19-13208877-GGATGGTGGT-G. GRCh37 (hg19) VCF-style: chr19-13319691-GGATGGTGGT-G.
Other names: c.6668_6676del, p.His2223_His2225del (NM_000068.4, NM_023035.3); c.6653_6661del, p.His2218_His2220del (NM_001127221.2); c.6659_6667del, p.His2220_His2222del (NM_001174080.2); c.6653_6661delACCACCATC (NM_001127221.1); c.6650_6658del9 (NM_001127222.1).
Identifiers: ClinVar variation 422029 (VCV000422029.24), dbSNP rs776181081, ClinGen allele CA9239303.